The following is an entry in ClinVar:

ClinVar aggregate classification (germline): Pathogenic (1 of 4 stars; one submission).

Submission:

Labcorp Genetics (formerly Invitae), Labcorp
Classification: Pathogenic. Last evaluated: 2023-10-06. Review status: criteria provided, single submitter. Criteria: Invitae Variant Classification Sherloc (09022015). Collection method: clinical testing. Allele origin: germline.
Comment: This sequence change creates a premature translational stop signal (p.Ala930Serfs*11) in the KMT2A gene. It is expected to result in an absent or disrupted protein product. Loss-of-function variants in KMT2A are known to be pathogenic (PMID: 22795537, 25810209, 29574747). This variant is not present in population databases (gnomAD no frequency). This variant has not been reported in the literature in individuals affected with KMT2A-related conditions. For these reasons, this variant has been classified as Pathogenic.

Literature cited by the submitters: PubMed 22795537; PubMed 25810209; PubMed 29574747.

NM_001197104.2(KMT2A):c.2787dup (p.Ala930fs)

Gene: KMT2A (lysine methyltransferase 2A; plus strand). Cytogenetic location: 11q23.3.
Variant type: Duplication.
Coding change: c.2787dup on transcript NM_001197104.2 (MANE Select); coding-DNA position 2787, one base duplicated (A; older notation c.2787dupA).
Protein change: p.Ala930fs; shifts the reading frame from alanine 930.
Molecular consequence: frameshift variant.
Genome position (GRCh38, 1-based): chr11:118,473,946, A duplicated; the last of 6 consecutive A bases (chr11:118,473,941-118,473,946); duplicating any one gives the same sequence. VCF-style (leftmost placement, unchanged base first): chr11-118473940-C-CA. GRCh37 (hg19) VCF-style: chr11-118344655-C-CA.
Other names: c.2886dup, p.Ala963fs (NM_001412597.1); c.2787dup, p.Ala930fs (NM_005933.4); short protein forms A963fs, A930fs.
Identifiers: ClinVar variation 2766519 (VCV002766519.3), dbSNP rs2134271637, ClinGen allele CA2697559007.